The following is an entry in ClinVar:

NM_004360.5(CDH1):c.21C>A (p.Ser7Arg)

Gene: CDH1 (cadherin 1; plus strand). Cytogenetic location: 16q22.1.
Variant type: single nucleotide variant.
Coding change: c.21C>A on transcript NM_004360.5 (MANE Select); coding-DNA position 21, C replaced by A.
Protein change: p.Ser7Arg; replaces serine 7 with arginine.
Molecular consequence: missense variant. On other transcripts: 5 prime UTR variant (2).
Genome position (GRCh38, 1-based): chr16:68,737,436, C>A. VCF-style: chr16-68737436-C-A. GRCh37 (hg19) VCF-style: chr16-68771339-C-A.
Other names: c.21C>A, p.Ser7Arg (NM_001317184.2); c.-1595C>A (NM_001317185.2); c.-1799C>A (NM_001317186.2); short protein forms S7R.
Identifiers: ClinVar variation 1171841 (VCV001171841.4), dbSNP rs1555509640, ClinGen allele CA396451311.

ClinVar aggregate classification (germline): Uncertain significance (1 of 4 stars; one submission).

Conditions:
Hereditary cancer-predisposing syndrome. Also called: Tumor predisposition; Hereditary neoplastic syndrome; Hereditary Cancer Syndrome; Neoplastic Syndromes, Hereditary. Identifiers: Orphanet 140162, MedGen C0027672, MeSH D009386, MONDO:0015356.

Submission:

Color Diagnostics, LLC DBA Color Health
Classification: Uncertain significance for Hereditary cancer-predisposing syndrome. Last evaluated: 2023-12-05. Review status: criteria provided, single submitter. Criteria: ACMG Guidelines, 2015. Collection method: clinical testing. Allele origin: germline.
Comment: This missense variant replaces serine with arginine at codon 7 of the CDH1 protein. To our knowledge, functional studies have not been reported for this variant. This variant has not been reported in individuals affected with hereditary cancer in the literature. This variant has not been identified in the general population by the Genome Aggregation Database (gnomAD). The available evidence is insufficient to determine the role of this variant in disease conclusively. Therefore, this variant is classified as a Variant of Uncertain Significance.